The following is an entry in ClinVar:

NM_000094.4(COL7A1):c.6931G>T (p.Glu2311Ter)

Gene: COL7A1 (collagen type VII alpha 1 chain; minus strand). Cytogenetic location: 3p21.31.
Variant type: single nucleotide variant.
Coding change: c.6931G>T on transcript NM_000094.4 (MANE Select); coding-DNA position 6931, G replaced by T.
Protein change: p.Glu2311Ter; replaces glutamic acid 2311 with a stop codon.
Molecular consequence: nonsense.
Genome position (GRCh38, 1-based): chr3:48,572,508, C>A on the plus strand (G>T on the coding strand, the complement: COL7A1 is on the minus strand). VCF-style: chr3-48572508-C-A. GRCh37 (hg19) VCF-style: chr3-48609941-C-A.
Other names: short protein forms E2311*.
Identifiers: ClinVar variation 4817397 (VCV004817397.1).
Genomic context (GRCh38, chr3:48,572,508, plus strand): 5'-TTCCTTGGCCCCCACCAGTTGACCCCCCCTCACTGGCAGCCCCACACACACTCACCTTCT[C>A]TCCCTTTGCTCCAGGGAGCCCGACCACAGCCTGTGGGGAATGCTAGTGAGTTTCCTCCTC-3'

ClinVar aggregate classification (germline): Likely pathogenic (1 of 4 stars; one submission).

Conditions:
Epidermolysis bullosa dystrophica. Also called: Dystrophic epidermolysis bullosa, Hallopeau-Siemens type (formerly); Dystrophic epidermolysis bullosa. Identifiers: Orphanet 303, MedGen C0079294, MONDO:0006543.

Submission:

Natera, Inc.
Classification: Likely pathogenic for Dystrophic epidermolysis bullosa. Last evaluated: 2024-10-23. Review status: criteria provided, single submitter. Criteria: Natera Variant Classification Schema (03/2026). Collection method: clinical testing. Allele origin: germline.
Comment: The c.6931G>T variant in COL7A1 is a nonsense variant predicted to introduce a stop codon at amino acid 2311. This variant is expected to result in nonsense mediated decay, truncation, or a dysfunctional protein product. This variant is rare in the general population with a frequency below the threshold expected for the associated phenotype(s). Given the available evidence, this variant is classified as Likely Pathogenic.